The following is an entry in ClinVar:

NM_003738.5(PTCH2):c.1078G>C (p.Val360Leu)

Gene: PTCH2 (patched 2; minus strand). Cytogenetic location: 1p34.1.
Variant type: single nucleotide variant.
Coding change: c.1078G>C on transcript NM_003738.5 (MANE Select); coding-DNA position 1078, G replaced by C.
Protein change: p.Val360Leu; replaces valine 360 with leucine.
Molecular consequence: missense variant.
Genome position (GRCh38, 1-based): chr1:44,829,619, C>G on the plus strand (G>C on the coding strand, the complement: PTCH2 is on the minus strand). VCF-style: chr1-44829619-C-G. GRCh37 (hg19) VCF-style: chr1-45295291-C-G.
Other names: c.1078G>C, p.Val360Leu (NM_001166292.2); short protein forms V360L.
Identifiers: ClinVar variation 1418325 (VCV001418325.9), dbSNP rs745653597, ClinGen allele CA823448.

ClinVar aggregate classification (germline): Uncertain significance. Review status: criteria provided, multiple submitters, no conflicts (2 of 4 stars). 2 submissions from 2 submitters: Uncertain significance (2). Last evaluated 2024-03-25.

Conditions:
Basal cell carcinoma, susceptibility to, 1. Also called: BCC1. Identifiers: MedGen C2751544, MONDO:0011556, OMIM 605462.
Medulloblastoma (MDB). Also called: MEDULLOBLASTOMA PREDISPOSITION SYNDROME; Medulloblastoma, somatic. Identifiers: Orphanet 616, MedGen C0025149, MeSH D008527, MONDO:0007959, OMIM 155255, HP:0002885.
Gorlin syndrome. Also called: Nevoid Basal Cell Carcinoma Syndrome; Basal cell nevus syndrome. Identifiers: Orphanet 377, MedGen C0004779, MONDO:0007187.

Allele frequency attached by ClinVar (database versions not stated): ExAC 0.00001; gnomAD 0.00001; TOPMed 0.00001.
gnomAD v4.1: 28 of 1,614,076 alleles (0.0017%); highest among the groups gnomAD compares: Admixed American, 0.0067%; no homozygotes.

Submissions (2):

Fulgent Genetics
Classification: Uncertain significance for Medulloblastoma; Basal cell carcinoma, susceptibility to, 1. Last evaluated: 2024-03-25. Review status: criteria provided, single submitter. Criteria: ACMG Guidelines, 2015. Collection method: clinical testing. Allele origin: germline.

Labcorp Genetics (formerly Invitae), Labcorp
Classification: Uncertain significance for Gorlin syndrome. Last evaluated: 2021-12-11. Review status: criteria provided, single submitter. Criteria: Invitae Variant Classification Sherloc (09022015). Collection method: clinical testing. Allele origin: germline.
Comment: In summary, the available evidence is currently insufficient to determine the role of this variant in disease. Therefore, it has been classified as a Variant of Uncertain Significance. Algorithms developed to predict the effect of missense changes on protein structure and function (SIFT, PolyPhen-2, Align-GVGD) all suggest that this variant is likely to be tolerated. This variant has not been reported in the literature in individuals affected with PTCH2-related conditions. This variant is present in population databases (rs745653597, gnomAD 0.009%). This sequence change replaces valine, which is neutral and non-polar, with leucine, which is neutral and non-polar, at codon 360 of the PTCH2 protein (p.Val360Leu).